The following is an entry in ClinVar:

NM_005918.4(MDH2):c.263A>G (p.Asp88Gly)

Gene: MDH2 (malate dehydrogenase 2; plus strand). Cytogenetic location: 7q11.23.
Variant type: single nucleotide variant.
Coding change: c.263A>G on transcript NM_005918.4 (MANE Select); coding-DNA position 263, A replaced by G.
Protein change: p.Asp88Gly; replaces aspartic acid 88 with glycine.
Molecular consequence: missense variant. On other transcripts: 5 prime UTR variant (1).
Genome position (GRCh38, 1-based): chr7:76,057,437, A>G. VCF-style: chr7-76057437-A-G. GRCh37 (hg19) VCF-style: chr7-75686755-A-G.
Other names: c.263A>G, p.Asp88Gly (NM_001282403.2); c.-59A>G (NM_001282404.2); short protein forms D88G.
Identifiers: ClinVar variation 2562832 (VCV002562832.2), dbSNP rs2535857845, ClinGen allele CA367763357.

ClinVar aggregate classification (germline): Uncertain significance (1 of 4 stars; one submission).

Conditions:
Inborn genetic diseases. Identifiers: MedGen C0950123, MeSH D030342.

Submission:

Ambry Genetics
Classification: Uncertain significance for Inborn genetic diseases. Last evaluated: 2023-04-16. Review status: criteria provided, single submitter. Criteria: Ambry Variant Classification Scheme 2023. Collection method: clinical testing. Allele origin: germline.
Comment: The p.D88G variant (also known as c.263A>G), located in coding exon 3 of the MDH2 gene, results from an A to G substitution at nucleotide position 263. The aspartic acid at codon 88 is replaced by glycine, an amino acid with similar properties. This amino acid position is conserved. In addition, this alteration is predicted to be tolerated by in silico analysis. Since supporting evidence is limited at this time, the clinical significance of this alteration remains unclear.